The following is an entry in ClinVar:

ClinVar aggregate classification (germline): Uncertain significance. Review status: criteria provided, multiple submitters, no conflicts (2 of 4 stars). 2 submissions from 2 submitters: Uncertain significance (2). Last evaluated 2025-09-05.

Submissions (2):

Ambry Genetics
Classification: Uncertain significance. Last evaluated: 2025-09-05. Review status: criteria provided, single submitter. Criteria: Ambry Variant Classification Scheme 2023. Collection method: clinical testing. Allele origin: germline.
Comment: The p.S321* variant (also known as c.962C>G), located in coding exon 8 of the RNF43 gene, results from a C to G substitution at nucleotide position 962. This changes the amino acid from a serine to a stop codon within coding exon 8. The evidence for this gene-disease relationship is limited; therefore, the clinical significance of this alteration is unclear.

Labcorp Genetics (formerly Invitae), Labcorp
Classification: Uncertain significance. Last evaluated: 2025-06-11. Review status: criteria provided, single submitter. Criteria: Invitae Variant Classification Sherloc (09022015). Collection method: clinical testing. Allele origin: germline.
Comment: This sequence change creates a premature translational stop signal (p.Ser321*) in the RNF43 gene. It is expected to result in an absent or disrupted protein product. However, the current clinical and genetic evidence is not sufficient to establish whether loss-of-function variants in RNF43 cause disease. This variant is not present in population databases (gnomAD no frequency). This variant has not been reported in the literature in individuals affected with RNF43-related conditions. In summary, the available evidence is currently insufficient to determine the role of this variant in disease. Therefore, it has been classified as a Variant of Uncertain Significance.

NM_017763.6(RNF43):c.962C>G (p.Ser321Ter)

Gene: RNF43 (ring finger protein 43; minus strand). Cytogenetic location: 17q22.
Variant type: single nucleotide variant.
Coding change: c.962C>G on transcript NM_017763.6 (MANE Select); coding-DNA position 962, C replaced by G.
Protein change: p.Ser321Ter; replaces serine 321 with a stop codon.
Molecular consequence: nonsense.
Genome position (GRCh38, 1-based): chr17:58,358,814, G>C on the plus strand (C>G on the coding strand, the complement: RNF43 is on the minus strand). VCF-style: chr17-58358814-G-C. GRCh37 (hg19) VCF-style: chr17-56436175-G-C.
Other names: c.962C>G, p.Ser321Ter (NM_001305544.3, NM_001438820.1, NM_001438821.1 and 1 more transcripts); c.581C>G, p.Ser194Ter (NM_001305545.2, NM_001437987.1); short protein forms S194*, S321*.
Identifiers: ClinVar variation 4155798 (VCV004155798.2).
Genomic context (GRCh38, chr17:58,358,814, plus strand): 5'-AGGTGGAGTCTTCGACCTGGTTCTTGGTAAGATCGAGAGGGTCCCAGGGACTGGGAAAAT[G>C]AATCTCCCTCTGGAAAAAAGAACCAAGAGCACAGATGTTTAACTCTACAAACCTACAGAG-3'